The following is an entry in ClinVar:

NM_002439.5(MSH3):c.2861A>G (p.Glu954Gly)

Gene: MSH3 (mutS homolog 3; plus strand). Cytogenetic location: 5q14.1.
Variant type: single nucleotide variant.
Coding change: c.2861A>G on transcript NM_002439.5 (MANE Select); coding-DNA position 2861, A replaced by G.
Protein change: p.Glu954Gly; replaces glutamic acid 954 with glycine.
Molecular consequence: missense variant.
Genome position (GRCh38, 1-based): chr5:80,854,177, A>G. VCF-style: chr5-80854177-A-G. GRCh37 (hg19) VCF-style: chr5-80149996-A-G.
Other names: short protein forms E954G.
Identifiers: ClinVar variation 656475 (VCV000656475.11), dbSNP rs1382292601, ClinGen allele CA360275561.

ClinVar aggregate classification (germline): Uncertain significance. Review status: criteria provided, multiple submitters, no conflicts (2 of 4 stars). 3 submissions from 3 submitters: Uncertain significance (3). Last evaluated 2025-12-08.

Conditions:
Endometrial carcinoma. Also called: Endometrial carcinoma, somatic. Identifiers: MedGen C0476089, MONDO:0002447, OMIM 608089, HP:0012114.
Hereditary cancer-predisposing syndrome. Also called: Hereditary neoplastic syndrome; Tumor predisposition; Neoplastic Syndromes, Hereditary; Hereditary Cancer Syndrome. Identifiers: Orphanet 140162, MedGen C0027672, MeSH D009386, MONDO:0015356.

Allele frequency attached by ClinVar (database versions not stated): TOPMed 0.00001; gnomAD exomes 0.00001.
gnomAD v4.1: 4 of 1,613,828 alleles (0.00025%); highest among the groups gnomAD compares: Non-Finnish European, 0.00034%; no homozygotes.

Submissions (3):

Labcorp Genetics (formerly Invitae), Labcorp
Classification: Uncertain significance. Last evaluated: 2025-12-08. Review status: criteria provided, single submitter. Criteria: Invitae Variant Classification Sherloc (09022015). Collection method: clinical testing. Allele origin: germline.
Comment: This sequence change replaces glutamic acid, which is acidic and polar, with glycine, which is neutral and non-polar, at codon 954 of the MSH3 protein (p.Glu954Gly). This variant is present in population databases (no rsID available, gnomAD 0.002%). This variant has not been reported in the literature in individuals affected with MSH3-related conditions. ClinVar contains an entry for this variant (Variation ID: 656475). An algorithm developed to predict the effect of missense changes on protein structure and function (PolyPhen-2) suggests that this variant is likely to be disruptive. In summary, the available evidence is currently insufficient to determine the role of this variant in disease. Therefore, it has been classified as a Variant of Uncertain Significance.

Ambry Genetics
Classification: Uncertain significance for Hereditary cancer-predisposing syndrome. Last evaluated: 2024-09-21. Review status: criteria provided, single submitter. Criteria: Ambry Variant Classification Scheme 2023. Collection method: clinical testing. Allele origin: germline.
Comment: The p.E954G variant (also known as c.2861A>G), located in coding exon 21 of the MSH3 gene, results from an A to G substitution at nucleotide position 2861. The glutamic acid at codon 954 is replaced by glycine, an amino acid with similar properties. This amino acid position is conserved. In addition, the in silico prediction for this alteration is inconclusive. Since supporting evidence is limited at this time, the clinical significance of this alteration remains unclear.

Baylor Genetics
Classification: Uncertain significance for Endometrial carcinoma. Last evaluated: 2023-11-26. Review status: criteria provided, single submitter. Criteria: ACMG Guidelines, 2015. Collection method: clinical testing. Allele origin: unknown.